The following is an entry in ClinVar:

ClinVar aggregate classification (germline): Likely pathogenic (1 of 4 stars; one submission).

Conditions:
Finnish congenital nephrotic syndrome (NPHS1). Also called: NEPHROTIC SYNDROME, TYPE 1. Identifiers: Orphanet 839, MedGen C0403399, MONDO:0009732, OMIM 256300.

Submission:

Natera, Inc.
Classification: Likely pathogenic for Finnish congenital nephrotic syndrome. Last evaluated: 2025-05-15. Review status: criteria provided, single submitter. Criteria: Natera Variant Classification Schema (03/2026). Collection method: clinical testing. Allele origin: germline.
Comment: The c.275-1G>A variant in NPHS1 is a canonical splice acceptor site variant predicted to affect pre-mRNA splicing, which may result in an abnormal transcript and altered protein product. This variant is expected to result in nonsense mediated decay, truncation, or a dysfunctional protein product. This variant is rare in the general population with a frequency below the threshold expected for the associated phenotype(s). This variant has been observed in one or more individuals affected with the associated recessive disease, as either homozygous or compound heterozygous with a second variant (PMID: 18503012). Given the available evidence, this variant is classified as Likely Pathogenic.

Literature cited by the submitters: PubMed 18503012.

NM_004646.4(NPHS1):c.275-1G>A

Gene: NPHS1 (NPHS1 adhesion molecule, nephrin; minus strand). Cytogenetic location: 19q13.12.
Variant type: single nucleotide variant.
Coding change: c.275-1G>A on transcript NM_004646.4 (MANE Select); the canonical splice acceptor site of the intron before coding-DNA position 275, G replaced by A.
Molecular consequence: splice acceptor variant.
Genome position (GRCh38, 1-based): chr19:35,851,385, C>T on the plus strand (G>A on the coding strand, the complement: NPHS1 is on the minus strand). VCF-style: chr19-35851385-C-T. GRCh37 (hg19) VCF-style: chr19-36342287-C-T.
Identifiers: ClinVar variation 4058999 (VCV004058999.2).